The following is an entry in ClinVar:

NM_000393.5(COL5A2):c.4113+47C>T

Gene: COL5A2 (collagen type V alpha 2 chain; minus strand). Cytogenetic location: 2q32.2.
Variant type: single nucleotide variant.
Coding change: c.4113+47C>T on transcript NM_000393.5 (MANE Select); 47 bases into the intron after coding-DNA position 4113, C replaced by T.
Molecular consequence: intron variant.
Genome position (GRCh38, 1-based): chr2:189,036,569, G>A on the plus strand (C>T on the coding strand, the complement: COL5A2 is on the minus strand). VCF-style: chr2-189036569-G-A. GRCh37 (hg19) VCF-style: chr2-189901295-G-A.
Other names: c.4113+47C>T (NM_000393.4).
Identifiers: ClinVar variation 256004 (VCV000256004.4), dbSNP rs12693526, ClinGen allele CA2021854.
Genomic context (GRCh38, chr2:189,036,569, plus strand): 5'-TAAAATAAGCCTGGTTTAAAAAAATAGCAAAGTCCTAAATAAATCAAAAATATGTAATAA[G>A]TAGTAAAAAGTAAAGAATACAATTTTAAGTAAACATATTAAATTACCTGAGACCCTCTGT-3'

ClinVar aggregate classification (germline): Benign. Review status: criteria provided, multiple submitters, no conflicts (2 of 4 stars). 4 submissions from 4 submitters: Benign (4). Last evaluated 2026-09-21.

Allele frequency attached by ClinVar (database versions not stated): TOPMed 0.69398; gnomAD 0.71247 and 0.71292; ESP Exome Variant Server 0.71278; gnomAD exomes 0.73326 and 0.78629; 1000 Genomes Project 0.64337; 1000 Genomes Project 30x 0.63944; ExAC 0.72451.
gnomAD v4.1: 1,113,541 of 1,432,150 alleles (78%); highest among the groups gnomAD compares: Non-Finnish European, 82%; 438,191 homozygotes.

Submissions (4):

Molecular Diagnostic Laboratory for Inherited Cardiovascular Disease, Montreal Heart Institute
Classification: Benign. Last evaluated: 2026-09-21. Review status: criteria provided, single submitter. Criteria: ACMG Guidelines, 2015. Collection method: clinical testing. Allele origin: germline. Affected: no.
Comment: BA1

GeneDx
Classification: Benign. Last evaluated: 2018-06-14. Review status: criteria provided, single submitter. Criteria: GeneDx Variant Classification (06012015). Collection method: clinical testing. Allele origin: germline. Affected: yes.
Comment: This variant is considered likely benign or benign based on one or more of the following criteria: it is a conservative change, it occurs at a poorly conserved position in the protein, it is predicted to be benign by multiple in silico algorithms, and/or has population frequency not consistent with disease.

Breakthrough Genomics
Classification: Benign. Review status: criteria provided, single submitter. Criteria: ACMG Guidelines, 2015. Collection method: not provided. Allele origin: germline. Inheritance: Autosomal dominant inheritance. Affected: yes.

PreventionGenetics, part of Exact Sciences
Classification: Benign. Review status: criteria provided, single submitter. Criteria: ACMG Guidelines, 2015. Collection method: clinical testing. Allele origin: germline.